The following is an entry in ClinVar:

ClinVar aggregate classification (germline): Uncertain significance (1 of 4 stars; one submission).

Conditions:
Early-infantile DEE. Also called: Early infantile epileptic encephalopathy; Ohtahara syndrome; Early infantile epileptic encephalopathy with suppression bursts. Identifiers: Orphanet 1934, MedGen C0393706, MONDO:0800491.

Allele frequency attached by ClinVar (database versions not stated): TOPMed below 0.00001.

Submission:

Labcorp Genetics (formerly Invitae), Labcorp
Classification: Uncertain significance for Early-infantile DEE. Last evaluated: 2023-12-11. Review status: criteria provided, single submitter. Criteria: Invitae Variant Classification Sherloc (09022015). Collection method: clinical testing. Allele origin: germline.
Comment: This sequence change replaces valine, which is neutral and non-polar, with methionine, which is neutral and non-polar, at codon 610 of the SCN1A protein (p.Val610Met). This variant is not present in population databases (gnomAD no frequency). This variant has not been reported in the literature in individuals affected with SCN1A-related conditions. Advanced modeling of protein sequence and biophysical properties (such as structural, functional, and spatial information, amino acid conservation, physicochemical variation, residue mobility, and thermodynamic stability) performed at Invitae indicates that this missense variant is expected to disrupt SCN1A protein function with a positive predictive value of 80%. In summary, the available evidence is currently insufficient to determine the role of this variant in disease. Therefore, it has been classified as a Variant of Uncertain Significance.

NM_001165963.4(SCN1A):c.1828G>A (p.Val610Met)

Gene: SCN1A (sodium voltage-gated channel alpha subunit 1; minus strand). Cytogenetic location: 2q24.3.
Variant type: single nucleotide variant.
Coding change: c.1828G>A on transcript NM_001165963.4 (MANE Select); coding-DNA position 1828, G replaced by A.
Protein change: p.Val610Met; replaces valine 610 with methionine.
Molecular consequence: missense variant. On other transcripts: 5 prime UTR variant (1), non-coding transcript variant (1).
Genome position (GRCh38, 1-based): chr2:166,043,884, C>T on the plus strand (G>A on the coding strand, the complement: SCN1A is on the minus strand). VCF-style: chr2-166043884-C-T. GRCh37 (hg19) VCF-style: chr2-166900394-C-T.
Other names: c.1828G>A, p.Val610Met (NM_001165964.3, NM_001202435.3, NM_001353948.2 and 7 more transcripts); c.1825G>A, p.Val609Met (NM_001353954.2, NM_001353955.2, NM_001353960.2); c.-598G>A (NM_001353961.2); short protein forms V609M, V610M.
Identifiers: ClinVar variation 2901258 (VCV002901258.3), dbSNP rs1697461832, ClinGen allele CA349067519.